The following is an entry in ClinVar:

ClinVar aggregate classification (germline): Uncertain significance. Review status: criteria provided, multiple submitters, no conflicts (2 of 4 stars). 2 submissions from 2 submitters: Uncertain significance (2). Last evaluated 2024-10-04.

Conditions:
RASopathy. Also called: Noonan spectrum disorder; rasopathies. Identifiers: Orphanet 536391, MedGen C5555857, MONDO:0021060.
Cardiovascular phenotype. Identifiers: MedGen CN230736.

Allele frequency attached by ClinVar (database versions not stated): ExAC 0.00001; gnomAD exomes 0.00002.
gnomAD v4.1: 25 of 1,611,952 alleles (0.0016%); highest among the groups gnomAD compares: South Asian, 0.0022%; no homozygotes.

Submissions (2):

Ambry Genetics
Classification: Uncertain significance for Cardiovascular phenotype. Last evaluated: 2024-10-04. Review status: criteria provided, single submitter. Criteria: Ambry Variant Classification Scheme 2023. Collection method: clinical testing. Allele origin: germline.

Labcorp Genetics (formerly Invitae), Labcorp
Classification: Uncertain significance for RASopathy. Last evaluated: 2024-08-28. Review status: criteria provided, single submitter. Criteria: Invitae Variant Classification Sherloc (09022015). Collection method: clinical testing. Allele origin: germline.
Comment: This sequence change replaces tyrosine, which is neutral and polar, with histidine, which is basic and polar, at codon 198 of the BRAF protein (p.Tyr198His). This variant is present in population databases (rs756820137, gnomAD 0.0009%). This variant has not been reported in the literature in individuals affected with BRAF-related conditions. ClinVar contains an entry for this variant (Variation ID: 1911144). Invitae Evidence Modeling of protein sequence and biophysical properties (such as structural, functional, and spatial information, amino acid conservation, physicochemical variation, residue mobility, and thermodynamic stability) indicates that this missense variant is expected to disrupt BRAF protein function with a positive predictive value of 80%. In summary, the available evidence is currently insufficient to determine the role of this variant in disease. Therefore, it has been classified as a Variant of Uncertain Significance.

NM_004333.6(BRAF):c.592T>C (p.Tyr198His)

Gene: BRAF (B-Raf proto-oncogene, serine/threonine kinase; minus strand). Cytogenetic location: 7q34.
Variant type: single nucleotide variant.
Coding change: c.592T>C on transcript NM_004333.6 (MANE Select); coding-DNA position 592, T replaced by C.
Protein change: p.Tyr198His; replaces tyrosine 198 with histidine.
Molecular consequence: missense variant.
Genome position (GRCh38, 1-based): chr7:140,808,908, A>G on the plus strand (T>C on the coding strand, the complement: BRAF is on the minus strand). VCF-style: chr7-140808908-A-G. GRCh37 (hg19) VCF-style: chr7-140508708-A-G.
Other names: c.592T>C, p.Tyr198His (NM_001354609.2, NM_001374244.1, NM_001374258.1 and 5 more transcripts); c.490T>C, p.Tyr164His (NM_001378470.1); c.436T>C, p.Tyr146His (NM_001378472.1, NM_001378473.1); c.328T>C, p.Tyr110His (NM_001378475.1); short protein forms Y110H, Y146H, Y164H, Y198H.
Identifiers: ClinVar variation 1911144 (VCV001911144.6), dbSNP rs756820137, ClinGen allele CA4516945.
Genomic context (GRCh38, chr7:140,808,908, plus strand): 5'-GATTTTCTTTTTAAACAAAATTTCACGTCACATACAAACCATACCCATCCTGAATTCTGT[A>G]AACAGCACAGCACTCTGGGATTAGACCTCTCATCATCAGTGCTTTCTTTAGACTGTCTCG-3'
Protein context (NP_004324.2, residues 188-208): RGLIPECCAV[Tyr198His]RIQDGEKKPI